The following is an entry in ClinVar:

NM_003000.3(SDHB):c.-4C>T

Gene: SDHB (succinate dehydrogenase complex iron sulfur subunit B; minus strand). Cytogenetic location: 1p36.13.
Variant type: single nucleotide variant.
Coding change: c.-4C>T on transcript NM_003000.3 (MANE Select); 4 bases upstream of the start codon, C replaced by T.
Molecular consequence: 5 prime UTR variant.
Genome position (GRCh38, 1-based): chr1:17,054,023, G>A on the plus strand (C>T on the coding strand, the complement: SDHB is on the minus strand). VCF-style: chr1-17054023-G-A. GRCh37 (hg19) VCF-style: chr1-17380518-G-A.
Other names: c.-4C>T (NM_001407361.1).
Identifiers: ClinVar variation 4864252 (VCV004864252.1).

ClinVar aggregate classification (germline): Uncertain significance (1 of 4 stars; one submission).

Conditions:
Hereditary cancer-predisposing syndrome. Also called: Neoplastic Syndromes, Hereditary; Tumor predisposition; Hereditary Cancer Syndrome; Hereditary neoplastic syndrome. Identifiers: Orphanet 140162, MedGen C0027672, MeSH D009386, MONDO:0015356.

gnomAD v4.1: 1 of 1,608,514 alleles (0.000062%); highest among the groups gnomAD compares: African/African-American, 0.0013%; no homozygotes.

Submission:

Ambry Genetics
Classification: Uncertain significance for Hereditary cancer-predisposing syndrome. Last evaluated: 2026-04-23. Review status: criteria provided, single submitter. Criteria: Ambry Variant Classification Scheme 2023. Collection method: clinical testing. Allele origin: germline.
Comment: The c.-4C>T variant is located in the 5' untranslated region (5&rsquo; UTR) of the SDHB gene. This variant results from a C to T substitution 4 bases upstream from the first translated codon. This nucleotide position is well conserved in available vertebrate species. Based on the available evidence, the clinical significance of this variant remains unclear.